The following is an entry in ClinVar:

ClinVar aggregate classification (germline): Uncertain significance. Review status: criteria provided, multiple submitters, no conflicts (2 of 4 stars). 2 submissions from 2 submitters: Uncertain significance (2). Last evaluated 2021-04-07.

Conditions:
Cardiovascular phenotype. Identifiers: MedGen CN230736.

Allele frequency attached by ClinVar (database versions not stated): ExAC 0.00001.
gnomAD v4.1: 6 of 1,613,936 alleles (0.00037%); highest among the groups gnomAD compares: African/African-American, 0.008%; no homozygotes.

Submissions (2):

Revvity Omics, Revvity
Classification: Uncertain significance. Last evaluated: 2021-04-07. Review status: criteria provided, single submitter. Criteria: ACMG Guidelines, 2015. Collection method: clinical testing. Allele origin: germline.

Ambry Genetics
Classification: Uncertain significance for Cardiovascular phenotype. Last evaluated: 2020-03-06. Review status: criteria provided, single submitter. Criteria: Ambry Variant Classification Scheme 2023. Collection method: clinical testing. Allele origin: germline.
Comment: The p.D2194E variant (also known as c.6582T>A), located in coding exon 27 of the TTN gene, results from a T to A substitution at nucleotide position 6582. The aspartic acid at codon 2194 is replaced by glutamic acid, an amino acid with highly similar properties. This amino acid position is highly conserved in available vertebrate species. In addition, the in silico prediction for this alteration is inconclusive. Since supporting evidence is limited at this time, the clinical significance of this alteration remains unclear.

NM_001267550.2(TTN):c.6720T>A (p.Asp2240Glu)

Gene: TTN (titin; minus strand). Cytogenetic location: 2q31.2.
Variant type: single nucleotide variant.
Coding change: c.6720T>A on transcript NM_001267550.2 (MANE Select); coding-DNA position 6720, T replaced by A.
Protein change: p.Asp2240Glu; replaces aspartic acid 2240 with glutamic acid.
Molecular consequence: missense variant.
Genome position (GRCh38, 1-based): chr2:178,774,991, A>T on the plus strand (T>A on the coding strand, the complement: TTN is on the minus strand). VCF-style: chr2-178774991-A-T. GRCh37 (hg19) VCF-style: chr2-179639718-A-T.
Other names: c.6720T>A, p.Asp2240Glu (NM_001256850.1, NM_133378.4, NM_133379.5); c.6582T>A, p.Asp2194Glu (NM_003319.4, NM_133432.3, NM_133437.4); short protein forms D2240E, D2194E.
Identifiers: ClinVar variation 1754318 (VCV001754318.5), dbSNP rs149404931, ClinGen allele CA2004988.